The following is an entry in ClinVar:

ClinVar aggregate classification (germline): Likely benign (1 of 4 stars; one submission).

Allele frequency attached by ClinVar (database versions not stated): gnomAD exomes below 0.00001.

Submission:

GeneDx
Classification: Likely benign. Last evaluated: 2017-04-18. Review status: criteria provided, single submitter. Criteria: GeneDx Variant Classification (06012015). Collection method: clinical testing. Allele origin: germline. Affected: yes.
Comment: This variant is considered likely benign or benign based on one or more of the following criteria: it is a conservative change, it occurs at a poorly conserved position in the protein, it is predicted to be benign by multiple in silico algorithms, and/or has population frequency not consistent with disease.

NM_053025.4(MYLK):c.2820G>A (p.Glu940=)

Gene: MYLK (myosin light chain kinase; minus strand). Cytogenetic location: 3q21.1.
Variant type: single nucleotide variant.
Coding change: c.2820G>A on transcript NM_053025.4 (MANE Select); coding-DNA position 2820, G replaced by A.
Protein change: p.Glu940=; no amino-acid change (glutamic acid 940 retained).
Molecular consequence: synonymous variant.
Genome position (GRCh38, 1-based): chr3:123,700,648, C>T on the plus strand (G>A on the coding strand, the complement: MYLK is on the minus strand). VCF-style: chr3-123700648-C-T. GRCh37 (hg19) VCF-style: chr3-123419495-C-T.
Other names: c.2292G>A, p.Glu764= (NM_001321309.2); c.2613G>A, p.Glu871= (NM_053026.4, NM_053028.4); c.2820G>A, p.Glu940= (NM_053027.4).
Identifiers: ClinVar variation 508991 (VCV000508991.1), dbSNP rs1432850591, ClinGen allele CA435431754.